The following is an entry in ClinVar:

NM_005859.5(PURA):c.455A>T (p.Asn152Ile)

Gene: PURA (purine rich element binding protein A; plus strand). Cytogenetic location: 5q31.3.
Variant type: single nucleotide variant.
Coding change: c.455A>T on transcript NM_005859.5 (MANE Select); coding-DNA position 455, A replaced by T.
Protein change: p.Asn152Ile; replaces asparagine 152 with isoleucine.
Molecular consequence: missense variant.
Genome position (GRCh38, 1-based): chr5:140,114,636, A>T. VCF-style: chr5-140114636-A-T. GRCh37 (hg19) VCF-style: chr5-139494221-A-T.
Other names: short protein forms N152I.
Identifiers: ClinVar variation 1695143 (VCV001695143.31), dbSNP rs2126749099, ClinGen allele CA361490806.
Genomic context (GRCh38, chr5:140,114,636, plus strand): 5'-TGGCCCAGGCGCAGGACGAGCCGCGCCGGGCGCTCAAAAGCGAGTTCCTGGTGCGCGAGA[A>T]CCGCAAGTACTACATGGATCTCAAGGAGAACCAGCGCGGCCGCTTCCTGCGCATCCGCCA-3'
Protein context (NP_005850.1, residues 142-162): ALKSEFLVRE[Asn152Ile]RKYYMDLKEN

ClinVar aggregate classification (germline): Uncertain significance (1 of 4 stars; one submission).

Submission:

CeGaT Center for Human Genetics Tuebingen
Classification: Uncertain significance. Last evaluated: 2022-04-01. Review status: criteria provided, single submitter. Criteria: CeGaT Center For Human Genetics Tuebingen Variant Classification Criteria Version 2. Collection method: clinical testing. Allele origin: germline. Affected: yes. Observed: 1 variant allele.
Comment: PURA: PM2, PP2